The following is an entry in ClinVar:

ClinVar aggregate classification (germline): Uncertain significance. Review status: criteria provided, multiple submitters, no conflicts (2 of 4 stars). 2 submissions from 2 submitters: Uncertain significance (2). Last evaluated 2023-10-12.

Conditions:
Nephronophthisis 14 (NPHP14). Identifiers: Orphanet 2318, MedGen C3539071, MONDO:0013916, OMIM 614844.

Allele frequency attached by ClinVar (database versions not stated): gnomAD 0.00002; TOPMed 0.00003; gnomAD exomes 0.00004; ExAC 0.00005.
gnomAD v4.1: 50 of 1,613,860 alleles (0.0031%); highest among the groups gnomAD compares: Non-Finnish European, 0.0019%; no homozygotes.

Submissions (2):

Ambry Genetics
Classification: Uncertain significance. Last evaluated: 2023-10-12. Review status: criteria provided, single submitter. Criteria: Ambry Variant Classification Scheme 2023. Collection method: clinical testing. Allele origin: germline.

Labcorp Genetics (formerly Invitae), Labcorp
Classification: Uncertain significance for Nephronophthisis 14. Last evaluated: 2022-01-12. Review status: criteria provided, single submitter. Criteria: Invitae Variant Classification Sherloc (09022015). Collection method: clinical testing. Allele origin: germline.
Comment: This sequence change replaces arginine, which is basic and polar, with cysteine, which is neutral and slightly polar, at codon 1021 of the ZNF423 protein (p.Arg1021Cys). This variant is present in population databases (rs773541714, gnomAD 0.07%). This variant has not been reported in the literature in individuals affected with ZNF423-related conditions. ClinVar contains an entry for this variant (Variation ID: 963728). Algorithms developed to predict the effect of missense changes on protein structure and function are either unavailable or do not agree on the potential impact of this missense change (SIFT: "Deleterious"; PolyPhen-2: "Probably Damaging"; Align-GVGD: "Class C0"). In summary, the available evidence is currently insufficient to determine the role of this variant in disease. Therefore, it has been classified as a Variant of Uncertain Significance.

NM_001379286.1(ZNF423):c.3085C>T (p.Arg1029Cys)

Gene: ZNF423 (zinc finger protein 423; minus strand). Cytogenetic location: 16q12.1.
Variant type: single nucleotide variant.
Coding change: c.3085C>T on transcript NM_001379286.1 (MANE Select); coding-DNA position 3085, C replaced by T.
Protein change: p.Arg1029Cys; replaces arginine 1029 with cysteine.
Molecular consequence: missense variant.
Genome position (GRCh38, 1-based): chr16:49,636,091, G>A on the plus strand (C>T on the coding strand, the complement: ZNF423 is on the minus strand). VCF-style: chr16-49636091-G-A. GRCh37 (hg19) VCF-style: chr16-49670002-G-A.
Other names: c.2881C>T, p.Arg961Cys (NM_001271620.2); c.2710C>T, p.Arg904Cys (NM_001330533.2); c.3061C>T, p.Arg1021Cys (NM_015069.5); c.3061C>T (NM_015069.2); short protein forms R1021C, R1029C, R961C, R904C.
Identifiers: ClinVar variation 963728 (VCV000963728.4), dbSNP rs773541714, ClinGen allele CA8046383.